The following is an entry in ClinVar:

ClinVar aggregate classification (germline): Uncertain significance (1 of 4 stars; one submission).

Conditions:
Diamond-Blackfan anemia. Also called: Blackfan Diamond syndrome; Aregenerative anemia chronic congenital; Red cell aplasia, pure hereditary; Congenital hypoplastic anemia; Aase syndrome. Identifiers: Orphanet 124, MedGen C1260899, MeSH D029503, MONDO:0015253, HP:0004810.
GATA binding protein 1 related thrombocytopenia with dyserythropoiesis. Also called: GATA1-Related Cytopenia; GATA1-Related X-Linked Cytopenia. Identifiers: MedGen C1845837, MONDO:0100089.

Allele frequency attached by ClinVar (database versions not stated): gnomAD exomes below 0.00001.
gnomAD v4.1: 2 of 1,210,918 alleles (0.00017%); highest among the groups gnomAD compares: Non-Finnish European, 0.00022%; no homozygotes.

Submission:

Labcorp Genetics (formerly Invitae), Labcorp
Classification: Uncertain significance for GATA binding protein 1 related thrombocytopenia with dyserythropoiesis; Diamond-Blackfan anemia. Last evaluated: 2023-02-16. Review status: criteria provided, single submitter. Criteria: Invitae Variant Classification Sherloc (09022015). Collection method: clinical testing. Allele origin: germline.
Comment: In summary, the available evidence is currently insufficient to determine the role of this variant in disease. Therefore, it has been classified as a Variant of Uncertain Significance. Advanced modeling of protein sequence and biophysical properties (such as structural, functional, and spatial information, amino acid conservation, physicochemical variation, residue mobility, and thermodynamic stability) performed at Invitae indicates that this missense variant is not expected to disrupt GATA1 protein function. This variant has not been reported in the literature in individuals affected with GATA1-related conditions. The frequency data for this variant in the population databases is considered unreliable, as metrics indicate poor data quality at this position in the gnomAD database. This sequence change replaces leucine, which is neutral and non-polar, with proline, which is neutral and non-polar, at codon 295 of the GATA1 protein (p.Leu295Pro).

NM_002049.4(GATA1):c.884T>C (p.Leu295Pro)

Gene: GATA1 (GATA binding protein 1; plus strand). Cytogenetic location: Xp11.23.
Variant type: single nucleotide variant.
Coding change: c.884T>C on transcript NM_002049.4 (MANE Select); coding-DNA position 884, T replaced by C.
Protein change: p.Leu295Pro; replaces leucine 295 with proline.
Molecular consequence: missense variant.
Genome position (GRCh38, 1-based): chrX:48,793,806, T>C. VCF-style: chrX-48793806-T-C. GRCh37 (hg19) VCF-style: chrX-48652213-T-C.
Other names: short protein forms L295P.
Identifiers: ClinVar variation 2926063 (VCV002926063.3), dbSNP rs782690876, ClinGen allele CA10404678.